The following is an entry in ClinVar:

NM_001377265.1(MAPT):c.1568G>A (p.Arg523Gln)

Gene: MAPT (microtubule associated protein tau). Cytogenetic location: 17q21.31.
Variant type: single nucleotide variant.
Coding change: c.1568G>A on transcript NM_001377265.1 (MANE Select); coding-DNA position 1568, G replaced by A.
Protein change: p.Arg523Gln; replaces arginine 523 with glutamine.
Molecular consequence: missense variant. On other transcripts: intron variant (9).
Genome position (GRCh38, 1-based): chr17:45,990,038, G>A. VCF-style: chr17-45990038-G-A. GRCh37 (hg19) VCF-style: chr17-44067404-G-A.
Other names: c.1343G>A, p.Arg448Gln (NM_001123066.4, NM_016835.5); c.256-1422G>A (NM_001377268.1, NM_016834.5, NM_016841.5); c.430-1422G>A (NM_005910.6, NM_001203252.2); c.1408-1422G>A (NM_001377266.1); c.343-1422G>A (NM_001123067.4, NM_001203251.2, NM_001377267.1); short protein forms R448Q, R523Q.
Identifiers: ClinVar variation 3036349 (VCV003036349.10), dbSNP rs201861969, ClinGen allele CA8617929.

ClinVar aggregate classification (germline): Conflicting classifications of pathogenicity. Review status: criteria provided, conflicting classifications (1 of 4 stars). 3 submissions from 3 submitters: Uncertain significance (1); Likely benign (1). 1 of the submissions does not count toward it. Last evaluated 2025-09-01.

Conditions:
Semantic dementia. Identifiers: Orphanet 100069, MedGen C0338462, MONDO:0010857, HP:0030219.
MAPT-related disorder. Also called: MAPT-related condition; MAPT-Related Disorders.

Allele frequency attached by ClinVar (database versions not stated): ExAC 0.00002; TOPMed 0.00003; gnomAD 0.00004; gnomAD exomes 0.00004; 1000 Genomes Project 0.00020; 1000 Genomes Project 30x 0.00031.
gnomAD v4.1: 65 of 1,614,100 alleles (0.004%); highest among the groups gnomAD compares: Non-Finnish European, 0.005%; no homozygotes.

Submissions (3):

CeGaT Center for Human Genetics Tuebingen
Classification: Likely benign. Last evaluated: 2025-09-01. Review status: criteria provided, single submitter. Criteria: CeGaT Center For Human Genetics Tuebingen Variant Classification Criteria Version 2. Collection method: clinical testing. Allele origin: germline. Affected: yes. Observed: 1 variant allele.
Comment: MAPT: BP4

Molecular Genetics, Royal Melbourne Hospital
Classification: Uncertain significance for Semantic dementia. Last evaluated: 2024-01-05. Review status: criteria provided, single submitter. Criteria: ACMG Guidelines, 2015. Collection method: clinical testing. Allele origin: germline. Inheritance: Autosomal dominant inheritance.
Comment: This sequence change in MAPT is predicted to replace arginine with glutamine at codon 523, p.(Arg523Gln). The arginine residue is moderately conserved (100 vertebrates, UCSC). There is a small physicochemical difference between arginine and glutamine. The highest population minor allele frequency in the population database gnomAD v4.0 is 0.005% (59/1,180,038 alleles) in the European non-Finnish population. To our knowledge, this variant has not been previously reported in the relevant scientific literature or databases. Computational evidence predicts a benign effect for the missense substitution (REVEL = 0.07). Based on the classification scheme RMH Modified ACMG/AMP Guidelines v1.6.1, this variant is classified as a VARIANT OF UNCERTAIN SIGNIFICANCE. Following criteria are met: BP4

PreventionGenetics, part of Exact Sciences
Classification: Uncertain significance for MAPT-related condition. Last evaluated: 2023-12-06. Review status: no assertion criteria provided. Collection method: clinical testing. Allele origin: germline. Not counted in ClinVar's aggregate classification.
Comment: The MAPT c.1343G>A variant is predicted to result in the amino acid substitution p.Arg448Gln. This variant was previously reported in a large cohort of individuals with early-onset Parkinson disease (Chen et al. 2022. PubMed ID: 35861376, supplementary data). This variant is reported in 0.0096% of alleles in individuals of Ashkenazi Jewish descent in gnomAD. At this time, the clinical significance of this variant is uncertain due to the absence of conclusive functional and genetic evidence.